The following is an entry in ClinVar:

ClinVar aggregate classification (germline): Uncertain significance (1 of 4 stars; one submission).

Submission:

GeneDx
Classification: Uncertain significance. Last evaluated: 2022-12-16. Review status: criteria provided, single submitter. Criteria: GeneDx Variant Classification Process June 2021. Collection method: clinical testing. Allele origin: germline. Affected: yes.
Comment: Not observed at significant frequency in large population cohorts (gnomAD); In silico analysis supports that this missense variant does not alter protein structure/function; Has not been previously published as pathogenic or benign to our knowledge

NM_002017.5(FLI1):c.1134G>A (p.Met378Ile)

Gene: FLI1 (Fli-1 proto-oncogene, ETS transcription factor; plus strand). Cytogenetic location: 11q24.3.
Variant type: single nucleotide variant.
Coding change: c.1134G>A on transcript NM_002017.5 (MANE Select); coding-DNA position 1134, G replaced by A.
Protein change: p.Met378Ile; replaces methionine 378 with isoleucine.
Molecular consequence: missense variant.
Genome position (GRCh38, 1-based): chr11:128,810,763, G>A. VCF-style: chr11-128810763-G-A. GRCh37 (hg19) VCF-style: chr11-128680658-G-A.
Other names: c.1035G>A, p.Met345Ile (NM_001167681.3); c.936G>A, p.Met312Ile (NM_001271010.2); c.555G>A, p.Met185Ile (NM_001271012.2); short protein forms M185I, M312I, M345I, M378I.
Identifiers: ClinVar variation 2506873 (VCV002506873.1), dbSNP rs759764204, ClinGen allele CA383239120.
Genomic context (GRCh38, chr11:128,810,763, plus strand): 5'-CAAATTTGACTTCCACGGCATTGCCCAGGCTCTGCAGCCACATCCGACCGAGTCGTCCAT[G>A]TACAAGTACCCTTCTGACATCTCCTACATGCCTTCCTACCATGCCCACCAGCAGAAGGTG-3'
Protein context (NP_002008.2, residues 368-388): ALQPHPTESS[Met378Ile]YKYPSDISYM